The following is an entry in ClinVar:

ClinVar aggregate classification (germline): Likely benign. Review status: criteria provided, single submitter (1 of 4 stars). 2 submissions from 2 submitters: Likely benign (1). 1 of the submissions does not count toward it. Last evaluated 2021-08-04.

Conditions:
BLTP1-related disorder. Also called: BLTP1-related condition.

Allele frequency attached by ClinVar (database versions not stated): gnomAD exomes 0.00003; ExAC 0.00007; ESP Exome Variant Server 0.00017; 1000 Genomes Project 0.00020; 1000 Genomes Project 30x 0.00031; gnomAD 0.00033; TOPMed 0.00044.
gnomAD v4.1: 93 of 1,612,196 alleles (0.0058%); highest among the groups gnomAD compares: African/African-American, 0.11%; no homozygotes.

Submissions (2):

Blueprint Genetics
Classification: Likely benign. Last evaluated: 2021-08-04. Review status: criteria provided, single submitter. Criteria: ACMG Guidelines, 2015. Collection method: clinical testing. Allele origin: germline.

PreventionGenetics, part of Exact Sciences
Classification: Likely benign for BLTP1-related condition. Last evaluated: 2019-08-13. Review status: no assertion criteria provided. Collection method: clinical testing. Allele origin: germline. Not counted in ClinVar's aggregate classification.
Comment: This variant is classified as likely benign based on ACMG/AMP sequence variant interpretation guidelines (Richards et al. 2015 PMID: 25741868, with internal and published modifications).

NM_001384125.1(BLTP1):c.2250A>G (p.Glu750=)

Gene: BLTP1 (bridge-like lipid transfer protein family member 1; plus strand). Cytogenetic location: 4q27.
Variant type: single nucleotide variant.
Coding change: c.2250A>G on transcript NM_001384125.1 (MANE Select); coding-DNA position 2250, A replaced by G.
Protein change: p.Glu750=; no amino-acid change (glutamic acid 750 retained).
Molecular consequence: synonymous variant.
Genome position (GRCh38, 1-based): chr4:122,219,342, A>G. VCF-style: chr4-122219342-A-G. GRCh37 (hg19) VCF-style: chr4-123140497-A-G.
Other names: c.2250A>G, p.Glu750= (NM_015312.4).
Identifiers: ClinVar variation 3035631 (VCV003035631.3), dbSNP rs150957032, ClinGen allele CA3065876.